The following is an entry in ClinVar:

NM_007103.4(NDUFV1):c.1156C>T (p.Arg386Cys)

Genes: NDUFV1 (NADH:ubiquinone oxidoreductase core subunit V1; plus strand), LOC126861242 (CDK7 strongly-dependent group 2 enhancer GRCh37_chr11:67379204-67380403; plus strand). Cytogenetic location: 11q13.2.
Variant type: single nucleotide variant.
Coding change: c.1156C>T on transcript NM_007103.4 (MANE Select); coding-DNA position 1156, C replaced by T.
Protein change: p.Arg386Cys; replaces arginine 386 with cysteine.
Molecular consequence: missense variant.
Genome position (GRCh38, 1-based): chr11:67,611,972, C>T. VCF-style: chr11-67611972-C-T. GRCh37 (hg19) VCF-style: chr11-67379443-C-T.
Other names: c.1129C>T, p.Arg377Cys (NM_001166102.2); short protein forms R386C, R377C.
Identifiers: ClinVar variation 419230 (VCV000419230.23), dbSNP rs150966634, ClinGen allele CA6143413.

ClinVar aggregate classification (germline): Pathogenic/Likely pathogenic. Review status: criteria provided, multiple submitters, no conflicts (2 of 4 stars). 10 submissions from 10 submitters: Pathogenic (7); Likely pathogenic (2). 1 of the submissions does not count toward it. Last evaluated 2025-05-04.

Conditions:
NDUFV1-related disorder. Also called: NDUFV1-related disorders; NDUFV1-related condition.
Mitochondrial complex I deficiency, nuclear type 1. Also called: NADH-COENZYME Q REDUCTASE DEFICIENCY; MITOCHONDRIAL NADH DEHYDROGENASE COMPONENT OF COMPLEX I, DEFICIENCY OF. Identifiers: MedGen C6022305, MONDO:0100224, OMIM 252010.
Mitochondrial complex I deficiency, nuclear type 4. Also called: Mitochondrial complex 1 deficiency, nuclear type 4. Identifiers: MedGen C4748753, MONDO:0032609, OMIM 618225.

Allele frequency attached by ClinVar (database versions not stated): gnomAD 0.00001; TOPMed 0.00003; ESP Exome Variant Server 0.00008; ExAC 0.00012; gnomAD exomes 0.00012.

Submissions (10):

GeneDx
Classification: Pathogenic. Last evaluated: 2025-05-04. Review status: criteria provided, single submitter. Criteria: GeneDx Variant Classification Process June 2021. Collection method: clinical testing. Allele origin: germline. Affected: yes.
Comment: Published functional studies found this variant is associated with impaired complex I activity with decreased flavin mononucleotide (FMN) content (PMID: 26345448); Not observed at significant frequency in large population cohorts (gnomAD); In silico analysis supports that this missense variant has a deleterious effect on protein structure/function; This variant is associated with the following publications: (PMID: 26684010, 27126960, 28441825, 33182419, 23266820, 32180488, 29976978, 37597066, 40207266, 29353736, 30777920, 32005694, 34302356, 35803560, 36801247, 39382773, 38129218, 26024641, 29948731, 19073330, 29272804, 23562761, 26345448)

Blueprint Genetics
Classification: Pathogenic for NDUFV1-related disorders. Last evaluated: 2024-07-29. Review status: criteria provided, single submitter. Criteria: ACMG Guidelines, 2015. Collection method: clinical testing. Allele origin: germline. Affected: yes. Observed: 4 variant alleles.

Labcorp Genetics (formerly Invitae), Labcorp
Classification: Pathogenic. Last evaluated: 2024-07-01. Review status: criteria provided, single submitter. Criteria: Invitae Variant Classification Sherloc (09022015). Collection method: clinical testing. Allele origin: germline.
Comment: This sequence change replaces arginine, which is basic and polar, with cysteine, which is neutral and slightly polar, at codon 386 of the NDUFV1 protein (p.Arg386Cys). This variant is present in population databases (rs150966634, gnomAD 0.08%). This missense change has been observed in individual(s) with mitochondrial complex I deficiency (PMID: 26024641, 32180488, 33182419). In at least one individual the data is consistent with being in trans (on the opposite chromosome) from a pathogenic variant. ClinVar contains an entry for this variant (Variation ID: 419230). Advanced modeling of protein sequence and biophysical properties (such as structural, functional, and spatial information, amino acid conservation, physicochemical variation, residue mobility, and thermodynamic stability) performed at Invitae indicates that this missense variant is expected to disrupt NDUFV1 protein function with a positive predictive value of 80%. Studies have shown that this missense change alters NDUFV1 gene expression (PMID: 33182419). This variant disrupts the p.Arg386 amino acid residue in NDUFV1. Other variant(s) that disrupt this residue have been determined to be pathogenic (PMID: 20818383, 26345448). This suggests that this residue is clinically significant, and that variants that disrupt this residue are likely to be disease-causing. For these reasons, this variant has been classified as Pathogenic.

Revvity Omics, Revvity
Classification: Pathogenic for Mitochondrial complex I deficiency, nuclear type 4. Last evaluated: 2023-10-18. Review status: criteria provided, single submitter. Criteria: ACMG Guidelines, 2015. Collection method: clinical testing. Allele origin: germline.

Victorian Clinical Genetics Services, Murdoch Childrens Research Institute
Classification: Pathogenic for Mitochondrial complex I deficiency, nuclear type 4. Last evaluated: 2020-05-21. Review status: criteria provided, single submitter. Criteria: ACMG Guidelines, 2015. Collection method: clinical testing. Allele origin: germline. Inheritance: Autosomal recessive inheritance. Affected: yes.
Comment: A homozygous missense variant was identified, NM_007103.3(NDUFV1):c.1156C>T in exon 8 of 10 of the NDUFV1 gene. This substitution is predicted to create a major amino acid change from arginine to cysteine at position 386 of the protein, NP_009034.2(NDUFV1):p.(Arg386Cys). The arginine at this position has high conservation (100 vertebrates, UCSC), and is located within the NADH-ubiquinone oxidoreductase-F iron-sulfur binding region (PDB). In silico software predicts this variant to be damaging (PolyPhen, SIFT, CADD, MutationTaster). The variant is present in the gnomAD population database at a global allele frequency of 0.01% (31 heterozygotes; 0 homozygotes), and is enriched in the South Asian population at a frequency of 0.09%. An alternative change to histidine at the same residue has also been reported in the gnomAD database at a frequency of 0.005%. The variant has previously been reported as pathogenic in patients with mitochondrial complex I deficiency and has been shown to segregate with the disease in families (ClinVar, Breningstall, G. et al. (2008), Srivastava, A. et al. (2018), Ortega-Recalde, O. et al. (2013), Marin, S. et al. (2013)). A different variant in the same codon resulting in a change to histidine has also been shown to cause mitochondrial complex I deficiency (ClinVar, Vilain, C. et al. (2012)). Based on information available at the time of curation, this variant has been classified as PATHOGENIC.

Broad Center for Mendelian Genomics, Broad Institute of MIT and Harvard
Classification: Likely pathogenic for Mitochondrial complex I deficiency, nuclear type 1. Last evaluated: 2018-12-03. Review status: criteria provided, single submitter. Criteria: ACMG Guidelines, 2015. Collection method: research. Allele origin: germline. Inheritance: Autosomal recessive inheritance. Affected: yes.
Comment: The homozygous p.Arg386Cys variant in NDUFV1 was identified by our study in 6 individuals with primary microcephaly. It has also been seen in two compound heterozygous affected brothers alongside the likely pathogenic c.914-8G_947del mutation (Breningstall et al. 2008, PMID: 19073330; Ortega-Recalde et al. 2013 PMID: 23562761). A different pathogenic variant, p.Arg386His, has been identified at this amino acid residue, further provding evidence for pathogenicity. This variant has been identified in 0.08% (26/30782) of South Asian chromosomes by the Genome Aggregation Database (gnomAD; dbSNP rs150966634). Although this variant has been seen in the general population, its frequency is low enough to be consistent with a recessive carrier frequency. Computational prediction tools and conservation analyses suggest that this variant may impact the protein, though this information is not predictive enough to determine pathogenicity. In summary, although additional studies are required to fully establish its clinical significance, this variant is likely pathogenic. ACMG/AMP Criteria applied: PM2, PP3, PM3, PM5 (Richards 2015).

Bruce Lefroy Centre, Murdoch Childrens Research Institute
Classification: Likely pathogenic for Mitochondrial complex I deficiency, nuclear type 4. Review status: criteria provided, single submitter. Criteria: ACMG Guidelines, 2015. Collection method: research. Allele origin: biparental. Inheritance: Autosomal recessive inheritance. Affected: yes. Observed: 1 variant allele.

Kasturba Medical College, Manipal, Kasturba Medical College, Manipal, Manipal Academy of Higher Education, Manipal, India
Classification: Pathogenic for Mitochondrial complex I deficiency, nuclear type 4. Review status: criteria provided, single submitter. Criteria: ACMG Guidelines, 2015. Collection method: clinical testing. Allele origin: paternal. Inheritance: Autosomal recessive inheritance. Affected: yes. Observed: 1 compound heterozygote.

Neuberg Centre For Genomic Medicine, NCGM
Classification: Pathogenic for Mitochondrial complex I deficiency, nuclear type 4. Review status: criteria provided, single submitter. Criteria: ACMG Guidelines, 2015. Collection method: clinical testing. Allele origin: germline. Inheritance: Autosomal recessive inheritance. Affected: yes.
Comment: Studies have shown that this missense change alters NDUFV1 gene expression (Parayil Sankaran et al., 2020; Borna et al., 2020).

Molecular Genetics Laboratory, BC Children's and BC Women's Hospitals
Classification: Pathogenic for Mitochondrial complex I deficiency, nuclear type 4. Last evaluated: 2026-05-06. Review status: no assertion criteria provided. Criteria: ACMG Guidelines, 2015. Collection method: clinical testing. Allele origin: maternal. Affected: yes. Not counted in ClinVar's aggregate classification.

Literature cited by the submitters: PubMed 26024641 (cited by Labcorp Genetics (formerly Invitae), Labcorp); PubMed 32180488 (cited by Labcorp Genetics (formerly Invitae), Labcorp); PubMed 33182419 (cited by Labcorp Genetics (formerly Invitae), Labcorp); PubMed 20818383 (cited by Labcorp Genetics (formerly Invitae), Labcorp); PubMed 26345448 (cited by Labcorp Genetics (formerly Invitae), Labcorp); PubMed 19073330 (cited by Broad Center for Mendelian Genomics, Broad Institute of MIT and Harvard); PubMed 23562761 (cited by Broad Center for Mendelian Genomics, Broad Institute of MIT and Harvard).